The following is an entry in ClinVar:

ClinVar aggregate classification (germline): Uncertain significance (1 of 4 stars; one submission).

Conditions:
Reduced sperm motility. Also called: asthenozoospermia. Identifiers: MedGen C4082176, HP:0012207.
Abnormal sperm morphology. Also called: Teratozoospermia. Identifiers: MedGen C0403824, HP:0012864.

gnomAD v4.1: 81 of 1,613,350 alleles (0.005%); highest among the groups gnomAD compares: East Asian, 0.14%; no homozygotes.

Submission:

Huzhibin Lab, Nanjing Medical University
Classification: Uncertain significance for Reduced sperm motility; Abnormal sperm morphology. Review status: criteria provided, single submitter. Criteria: ACMG Guidelines, 2015. Collection method: research. Allele origin: germline. Inheritance: Autosomal recessive inheritance. Affected: yes. Observed: 1 variant allele, 1 homozygote.
Comment: Criteria:PS4,PP3 The variant we found here is a rare homozygous missense variant that was not found in the control population, it was also predicted to be pathogenic by multiple algorithms,such as CADD(25.8), Polyphen(1), SIFT(0.01), AlphaMissense(Pathogenic).

NM_022785.4(EFCAB6):c.2686G>A (p.Asp896Asn)

Gene: EFCAB6 (EF-hand calcium binding domain 6; minus strand). Cytogenetic location: 22q13.2.
Variant type: single nucleotide variant.
Coding change: c.2686G>A on transcript NM_022785.4 (MANE Select); coding-DNA position 2686, G replaced by A.
Protein change: p.Asp896Asn; replaces aspartic acid 896 with asparagine.
Molecular consequence: missense variant.
Genome position (GRCh38, 1-based): chr22:43,600,259, C>T on the plus strand (G>A on the coding strand, the complement: EFCAB6 is on the minus strand). VCF-style: chr22-43600259-C-T. GRCh37 (hg19) VCF-style: chr22-43996139-C-T.
Other names: c.2230G>A, p.Asp744Asn (NM_198856.3); short protein forms D744N, D896N.
Identifiers: ClinVar variation 3239644 (VCV003239644.2).